The following is an entry in ClinVar:

ClinVar aggregate classification (germline): Uncertain significance (1 of 4 stars; one submission).

Allele frequency attached by ClinVar (database versions not stated): gnomAD exomes 0.00001.
gnomAD v4.1: 7 of 1,614,142 alleles (0.00043%); highest among the groups gnomAD compares: Non-Finnish European, 0.00059%; no homozygotes.

Submission:

Labcorp Genetics (formerly Invitae), Labcorp
Classification: Uncertain significance. Last evaluated: 2022-10-03. Review status: criteria provided, single submitter. Criteria: Invitae Variant Classification Sherloc (09022015). Collection method: clinical testing. Allele origin: germline.
Comment: This sequence change replaces isoleucine, which is neutral and non-polar, with valine, which is neutral and non-polar, at codon 3464 of the LRP2 protein (p.Ile3464Val). This variant is not present in population databases (gnomAD no frequency). This variant has not been reported in the literature in individuals affected with LRP2-related conditions. ClinVar contains an entry for this variant (Variation ID: 1465369). Advanced modeling of protein sequence and biophysical properties (such as structural, functional, and spatial information, amino acid conservation, physicochemical variation, residue mobility, and thermodynamic stability) performed at Invitae indicates that this missense variant is not expected to disrupt LRP2 protein function. In summary, the available evidence is currently insufficient to determine the role of this variant in disease. Therefore, it has been classified as a Variant of Uncertain Significance.

NM_004525.3(LRP2):c.10390A>G (p.Ile3464Val)

Gene: LRP2 (LDL receptor related protein 2; minus strand). Cytogenetic location: 2q31.1.
Variant type: single nucleotide variant.
Coding change: c.10390A>G on transcript NM_004525.3 (MANE Select); coding-DNA position 10390, A replaced by G.
Protein change: p.Ile3464Val; replaces isoleucine 3464 with valine.
Molecular consequence: missense variant.
Genome position (GRCh38, 1-based): chr2:169,177,806, T>C on the plus strand (A>G on the coding strand, the complement: LRP2 is on the minus strand). VCF-style: chr2-169177806-T-C. GRCh37 (hg19) VCF-style: chr2-170034316-T-C.
Other names: short protein forms I3464V.
Identifiers: ClinVar variation 1465369 (VCV001465369.5), dbSNP rs2105288498, ClinGen allele CA349148465.